The following is an entry in ClinVar:

ClinVar aggregate classification (germline): Uncertain significance (1 of 4 stars; one submission).

Submission:

Labcorp Genetics (formerly Invitae), Labcorp
Classification: Uncertain significance. Last evaluated: 2023-10-29. Review status: criteria provided, single submitter. Criteria: Invitae Variant Classification Sherloc (09022015). Collection method: clinical testing. Allele origin: germline.
Comment: This sequence change replaces proline, which is neutral and non-polar, with serine, which is neutral and polar, at codon 619 of the COL4A5 protein (p.Pro619Ser). This variant is not present in population databases (gnomAD no frequency). This variant has not been reported in the literature in individuals affected with COL4A5-related conditions. Advanced modeling of protein sequence and biophysical properties (such as structural, functional, and spatial information, amino acid conservation, physicochemical variation, residue mobility, and thermodynamic stability) performed at Invitae indicates that this missense variant is not expected to disrupt COL4A5 protein function with a negative predictive value of 95%. This variant disrupts the p.Pro619 amino acid residue in COL4A5. Other variant(s) that disrupt this residue have been determined to be pathogenic (PMID: 11462238, 17660027, 19728970). This suggests that this residue is clinically significant, and that variants that disrupt this residue are likely to be disease-causing. In summary, the available evidence is currently insufficient to determine the role of this variant in disease. Therefore, it has been classified as a Variant of Uncertain Significance.

Literature cited by the submitters: PubMed 11462238; PubMed 17660027; PubMed 19728970.

NM_033380.3(COL4A5):c.1855C>T (p.Pro619Ser)

Gene: COL4A5 (collagen type IV alpha 5 chain; plus strand). Cytogenetic location: Xq22.3.
Variant type: single nucleotide variant.
Coding change: c.1855C>T on transcript NM_033380.3 (MANE Select); coding-DNA position 1855, C replaced by T.
Protein change: p.Pro619Ser; replaces proline 619 with serine.
Molecular consequence: missense variant.
Genome position (GRCh38, 1-based): chrX:108,598,777, C>T. VCF-style: chrX-108598777-C-T. GRCh37 (hg19) VCF-style: chrX-107842007-C-T.
Other names: c.1855C>T, p.Pro619Ser (NM_000495.5); short protein forms P619S.
Identifiers: ClinVar variation 2772752 (VCV002772752.3), dbSNP rs1569494314, ClinGen allele CA413845752.
Genomic context (GRCh38, chrX:108,598,777, plus strand): 5'-AAGGGTGAAAGAGGTCCCCCTGGGAACCCAGGTTTACCAGGCCTCCCAGGGAATATAGGG[C>T]CTATGGGTCCCCCTGGTTTCGGCCCTCCAGGCCCAGTAGGTGAAAAAGGCATACAAGGTG-3'
Protein context (NP_203699.1, residues 609-629): GLPGLPGNIG[Pro619Ser]MGPPGFGPPG